The following is an entry in ClinVar:

NM_032444.4(SLX4):c.*658T>C

Gene: SLX4 (SLX4 structure-specific endonuclease subunit; minus strand). Cytogenetic location: 16p13.3.
Variant type: single nucleotide variant.
Coding change: c.*658T>C on transcript NM_032444.4 (MANE Select); 658 bases downstream of the stop codon, T replaced by C.
Molecular consequence: 3 prime UTR variant.
Genome position (GRCh38, 1-based): chr16:3,581,684, A>G on the plus strand (T>C on the coding strand, the complement: SLX4 is on the minus strand). VCF-style: chr16-3581684-A-G. GRCh37 (hg19) VCF-style: chr16-3631685-A-G.
Other names: c.*658T>C (LRG_503t1).
Identifiers: ClinVar variation 319131 (VCV000319131.5), dbSNP rs541410329, ClinGen allele CA10648354.
Genomic context (GRCh38, chr16:3,581,684, plus strand): 5'-TAGGGCAGCTGTGCCCAGGACTGGTGGGCTCAGAGGGTGGCAAATGTGGCAGAATAGGCC[A>G]TGCCCTGGCCAGCTGGTGATGGCCCACTGCCCCCTGGGACAGCTGAGGGCCCTCTTGGGT-3'

ClinVar aggregate classification (germline): Likely benign (1 of 4 stars; one submission).

Conditions:
Fanconi anemia complementation group P. Also called: SLX4-Related Fanconi Anemia. Identifiers: Orphanet 84, MedGen C3469542, MONDO:0013499, OMIM 613951.

Allele frequency attached by ClinVar (database versions not stated): 1000 Genomes Project 0.00160; 1000 Genomes Project 30x 0.00219; gnomAD 0.00227 and 0.00228; TOPMed 0.00270; gnomAD exomes 0.00326.

Submission:

Illumina Laboratory Services, Illumina
Classification: Likely benign for Fanconi anemia complementation group P. Last evaluated: 2018-01-13. Review status: criteria provided, single submitter. Criteria: ICSL Variant Classification Criteria 13 December 2019. Collection method: clinical testing. Allele origin: germline.
Comment: This variant was observed in the ICSL laboratory as part of a predisposition screen in an ostensibly healthy population. It had not been previously curated by ICSL or reported in the Human Gene Mutation Database (HGMD: prior to June 1st, 2018), and was therefore a candidate for classification through an automated scoring system. Utilizing variant allele frequency, disease prevalence and penetrance estimates, and inheritance mode, an automated score was calculated to assess if this variant is too frequent to cause the disease. Based on the score and internal cut-off values, a variant classified as likely benign is not then subjected to further curation. The score for this variant resulted in a classification of likely benign for this disease.